The following is an entry in ClinVar:

NM_002691.4(POLD1):c.1688C>G (p.Ala563Gly)

Gene: POLD1 (DNA polymerase delta 1, catalytic subunit; plus strand). Cytogenetic location: 19q13.33.
Variant type: single nucleotide variant.
Coding change: c.1688C>G on transcript NM_002691.4 (MANE Select); coding-DNA position 1688, C replaced by G.
Protein change: p.Ala563Gly; replaces alanine 563 with glycine.
Molecular consequence: missense variant. On other transcripts: non-coding transcript variant (1).
Genome position (GRCh38, 1-based): chr19:50,407,328, C>G. VCF-style: chr19-50407328-C-G. GRCh37 (hg19) VCF-style: chr19-50910585-C-G.
Other names: c.1688C>G, p.Ala563Gly (NM_001256849.1, NM_001308632.1); short protein forms A563G.
Identifiers: ClinVar variation 3421955 (VCV003421955.1).
Genomic context (GRCh38, chr19:50,407,328, plus strand): 5'-CTCCCAATCCGCACGGCCCCACCTATACCCACTCCATTTCCCACCTTCTCCCCTCCCAGG[C>G]CATGCACGAGGGGCTGCTGATGCCCGTGGTGAAGTCAGAGGGCGGCGAGGACTACACGGG-3'
Protein context (NP_002682.2, residues 553-573): VKVVSQLLRQ[Ala563Gly]MHEGLLMPVV

ClinVar aggregate classification (germline): Uncertain significance (1 of 4 stars; one submission).

Conditions:
Hereditary cancer-predisposing syndrome. Also called: Neoplastic Syndromes, Hereditary; Tumor predisposition; Hereditary Cancer Syndrome; Hereditary neoplastic syndrome. Identifiers: Orphanet 140162, MedGen C0027672, MeSH D009386, MONDO:0015356.

Submission:

Ambry Genetics
Classification: Uncertain significance for Hereditary cancer-predisposing syndrome. Last evaluated: 2024-08-18. Review status: criteria provided, single submitter. Criteria: Ambry Variant Classification Scheme 2023. Collection method: clinical testing. Allele origin: germline.
Comment: The p.A563G variant (also known as c.1688C>G), located in coding exon 13 of the POLD1 gene, results from a C to G substitution at nucleotide position 1688. The alanine at codon 563 is replaced by glycine, an amino acid with similar properties. This amino acid position is conserved. In addition, the in silico prediction for this alteration is inconclusive. Based on the available evidence, the clinical significance of this variant remains unclear.